The following is an entry in ClinVar:

NM_001371904.1(APOA5):c.245C>T (p.Ala82Val)

Gene: APOA5 (apolipoprotein A5; minus strand). Cytogenetic location: 11q23.3.
Variant type: single nucleotide variant.
Coding change: c.245C>T on transcript NM_001371904.1 (MANE Select); coding-DNA position 245, C replaced by T.
Protein change: p.Ala82Val; replaces alanine 82 with valine.
Molecular consequence: missense variant.
Genome position (GRCh38, 1-based): chr11:116,790,984, G>A on the plus strand (C>T on the coding strand, the complement: APOA5 is on the minus strand). VCF-style: chr11-116790984-G-A. GRCh37 (hg19) VCF-style: chr11-116661700-G-A.
Other names: c.245C>T, p.Ala82Val (NM_052968.5, NM_001166598.2); c.245C>T (NM_052968.4); short protein forms A82V.
Identifiers: ClinVar variation 3607265 (VCV003607265.3).
Genomic context (GRCh38, chr11:116,790,984, plus strand): 5'-TCCTCCAACTCCTCCTGCAGCTGCCGCCGCATGCCCACCGGGTCCTGTGGGAGCCGAGGA[G>A]CCTCGCTCCCACTCAGAGGCCTCAGCTTTTCCAGGAACTTGTTCATATTGTTGAGGTCTT-3'
Protein context (NP_001358833.1, residues 72-92): EKLRPLSGSE[Ala82Val]PRLPQDPVGM

ClinVar aggregate classification (germline): Uncertain significance. Review status: criteria provided, multiple submitters, no conflicts (2 of 4 stars). 2 submissions from 2 submitters: Uncertain significance (2). Last evaluated 2025-01-17.

Conditions:
Cardiovascular phenotype. Identifiers: MedGen CN230736.

Submissions (2):

Ambry Genetics
Classification: Uncertain significance for Cardiovascular phenotype. Last evaluated: 2025-01-17. Review status: criteria provided, single submitter. Criteria: Ambry Variant Classification Scheme 2023. Collection method: clinical testing. Allele origin: germline.

Labcorp Genetics (formerly Invitae), Labcorp
Classification: Uncertain significance. Last evaluated: 2024-08-21. Review status: criteria provided, single submitter. Criteria: Invitae Variant Classification Sherloc (09022015). Collection method: clinical testing. Allele origin: germline.
Comment: This sequence change replaces alanine, which is neutral and non-polar, with valine, which is neutral and non-polar, at codon 82 of the APOA5 protein (p.Ala82Val). This variant is not present in population databases (gnomAD no frequency). This variant has not been reported in the literature in individuals affected with APOA5-related conditions. An algorithm developed to predict the effect of missense changes on protein structure and function (PolyPhen-2) suggests that this variant is likely to be tolerated. In summary, the available evidence is currently insufficient to determine the role of this variant in disease. Therefore, it has been classified as a Variant of Uncertain Significance.